The following is an entry in ClinVar:

ClinVar aggregate classification (germline): Benign/Likely benign. Review status: criteria provided, multiple submitters, no conflicts (2 of 4 stars). 6 submissions from 6 submitters: Benign (2); Likely benign (3). 1 of the submissions does not count toward it. Last evaluated 2026-02-02.

Conditions:
Achromatopsia 2 (ACHM2). Also called: COLORBLINDNESS, TOTAL; ROD MONOCHROMACY 2; ROD MONOCHROMATISM 2. Identifiers: Orphanet 49382, MedGen C1857618, MONDO:0009003, OMIM 216900.

Allele frequency attached by ClinVar (database versions not stated): gnomAD exomes 0.00147 and 0.00363; ExAC 0.00462; gnomAD 0.01071 and 0.01129; TOPMed 0.01254; ESP Exome Variant Server 0.01415; 1000 Genomes Project 0.01558; 1000 Genomes Project 30x 0.01608.
gnomAD v4.1: 3,882 of 1,614,154 alleles (0.24%); highest among the groups gnomAD compares: African/African-American, 3.7%; 63 homozygotes.

Submissions (6):

Labcorp Genetics (formerly Invitae), Labcorp
Classification: Benign. Last evaluated: 2026-02-02. Review status: criteria provided, single submitter. Criteria: Invitae Variant Classification Sherloc (09022015). Collection method: clinical testing. Allele origin: germline.

GeneDx
Classification: Likely benign. Last evaluated: 2021-06-29. Review status: criteria provided, single submitter. Criteria: GeneDx Variant Classification Process June 2021. Collection method: clinical testing. Allele origin: germline. Affected: yes.

Illumina Laboratory Services, Illumina
Classification: Benign for Achromatopsia 2. Last evaluated: 2017-04-27. Review status: criteria provided, single submitter. Criteria: ICSL Variant Classification Criteria 13 December 2019. Collection method: clinical testing. Allele origin: germline.
Comment: This variant was observed as part of a predisposition screen in an ostensibly healthy population. A literature search was performed for the gene, cDNA change, and amino acid change (where applicable). No publications were found based on this search. Allele frequency data from public databases was too high to be consistent with this variant causing disease. Therefore, this variant is classified as benign.

Center for Pediatric Genomic Medicine, Children's Mercy Hospital and Clinics
Classification: Likely benign. Last evaluated: 2017-01-24. Review status: criteria provided, single submitter. Criteria: ACMG Guidelines, 2015. Collection method: clinical testing. Allele origin: germline.
ClinVar note: Converted during submission from Likely Benign to Likely benign.

Breakthrough Genomics
Classification: Likely benign. Review status: criteria provided, single submitter. Criteria: ACMG Guidelines, 2015. Collection method: not provided. Allele origin: germline. Inheritance: Autosomal recessive inheritance. Affected: yes.

Molecular Genetics Laboratory, Institute for Ophthalmic Research
Classification: Benign for Achromatopsia 2. Last evaluated: 2021-04-15. Review status: no assertion criteria provided. Collection method: research. Allele origin: germline. Affected: yes. Not counted in ClinVar's aggregate classification.

NM_001298.3(CNGA3):c.592G>A (p.Glu198Lys)

Gene: CNGA3 (cyclic nucleotide gated channel subunit alpha 3; plus strand). Cytogenetic location: 2q11.2.
Variant type: single nucleotide variant.
Coding change: c.592G>A on transcript NM_001298.3 (MANE Select); coding-DNA position 592, G replaced by A.
Protein change: p.Glu198Lys; replaces glutamic acid 198 with lysine.
Molecular consequence: missense variant.
Genome position (GRCh38, 1-based): chr2:98,391,889, G>A. VCF-style: chr2-98391889-G-A. GRCh37 (hg19) VCF-style: chr2-99008352-G-A.
Other names: c.538G>A, p.Glu180Lys (NM_001079878.2); short protein forms E198K, E180K.
Identifiers: ClinVar variation 377069 (VCV000377069.21), dbSNP rs2271041, ClinGen allele CA1793821.
Genomic context (GRCh38, chr2:98,391,889, plus strand): 5'-CGCACAGCCATCCATCTCCCACATGGCTTCTTTAGGGCCTGTTTCGATGAGCTGCAGTCC[G>A]AGTACCTGATGCTGTGGCTGGTCCTGGACTACTCGGCAGATGTCCTGTATGTCTTGGATG-3'
Protein context (NP_001289.1, residues 188-208): CRACFDELQS[Glu198Lys]YLMLWLVLDY